The following is an entry in ClinVar:

NM_021930.6(RINT1):c.1001A>T (p.Glu334Val)

Gene: RINT1 (RAD50 interactor 1; plus strand). Cytogenetic location: 7q22.3.
Variant type: single nucleotide variant.
Coding change: c.1001A>T on transcript NM_021930.6 (MANE Select); coding-DNA position 1001, A replaced by T.
Protein change: p.Glu334Val; replaces glutamic acid 334 with valine.
Molecular consequence: missense variant. On other transcripts: 5 prime UTR variant (2), non-coding transcript variant (1).
Genome position (GRCh38, 1-based): chr7:105,550,059, A>T. VCF-style: chr7-105550059-A-T. GRCh37 (hg19) VCF-style: chr7-105190506-A-T.
Other names: c.767A>T, p.Glu256Val (NM_001346599.2); c.-23A>T (NM_001346600.2, NM_001346603.2); c.77A>T, p.Glu26Val (NM_001346601.2); short protein forms E256V, E334V, E26V.
Identifiers: ClinVar variation 1039665 (VCV001039665.9), dbSNP rs1790858583, ClinGen allele CA368808178.

ClinVar aggregate classification (germline): Uncertain significance (1 of 4 stars; one submission).

Submission:

Labcorp Genetics (formerly Invitae), Labcorp
Classification: Uncertain significance. Last evaluated: 2020-01-13. Review status: criteria provided, single submitter. Criteria: Invitae Variant Classification Sherloc (09022015). Collection method: clinical testing. Allele origin: germline.
Comment: This variant is not present in population databases (ExAC no frequency). This variant has not been reported in the literature in individuals with RINT1-related conditions. This sequence change replaces glutamic acid with valine at codon 334 of the RINT1 protein (p.Glu334Val). The glutamic acid residue is highly conserved and there is a moderate physicochemical difference between glutamic acid and valine. In summary, the available evidence is currently insufficient to determine the role of this variant in disease. Therefore, it has been classified as a Variant of Uncertain Significance. Algorithms developed to predict the effect of sequence changes on RNA splicing suggest that this variant may create or strengthen a splice site, but this prediction has not been confirmed by published transcriptional studies. Algorithms developed to predict the effect of missense changes on protein structure and function are either unavailable or do not agree on the potential impact of this missense change (SIFT: "Deleterious"; PolyPhen-2: "Probably Damaging"; Align-GVGD: "Class C0").